The following is an entry in ClinVar:

NM_002087.4(GRN):c.101C>A (p.Pro34His)

Gene: GRN (granulin precursor; plus strand). Cytogenetic location: 17q21.31.
Variant type: single nucleotide variant.
Coding change: c.101C>A on transcript NM_002087.4 (MANE Select); coding-DNA position 101, C replaced by A.
Protein change: p.Pro34His; replaces proline 34 with histidine.
Molecular consequence: missense variant.
Genome position (GRCh38, 1-based): chr17:44,349,265, C>A. VCF-style: chr17-44349265-C-A. GRCh37 (hg19) VCF-style: chr17-42426633-C-A.
Other names: short protein forms P34H.
Identifiers: ClinVar variation 2941451 (VCV002941451.3), dbSNP rs977833315, ClinGen allele CA399759352.

ClinVar aggregate classification (germline): Uncertain significance (1 of 4 stars; one submission).

Conditions:
GRN-related frontotemporal lobar degeneration with Tdp43 inclusions (FTD2). Also called: DEMENTIA, HEREDITARY DYSPHASIC DISINHIBITION; FRONTOTEMPORAL LOBAR DEGENERATION WITH UBIQUITIN-POSITIVE INCLUSIONS; FTLD-TDP, GRN-RELATED; GRN Frontotemporal Dementia; FRONTOTEMPORAL DEMENTIA WITH TDP43 INCLUSIONS, GRN-RELATED. Identifiers: Orphanet 100070, Orphanet 282, MedGen C1843792, MONDO:0011842, OMIM 607485. Disease mechanism: loss of function.
Neuronal ceroid lipofuscinosis 11. Also called: GRN-Related Neuronal Ceroid-Lipofuscinosis. Identifiers: Orphanet 314629, Orphanet 79262, MedGen C3539123, MONDO:0013866, OMIM 614706.

gnomAD v4.1: 1 of 1,614,000 alleles (0.000062%); highest among the groups gnomAD compares: South Asian, 0.0011%; no homozygotes.

Submission:

Labcorp Genetics (formerly Invitae), Labcorp
Classification: Uncertain significance for Neuronal ceroid lipofuscinosis 11; GRN-related frontotemporal lobar degeneration with Tdp43 inclusions. Last evaluated: 2025-01-01. Review status: criteria provided, single submitter. Criteria: Invitae Variant Classification Sherloc (09022015). Collection method: clinical testing. Allele origin: germline.
Comment: This sequence change replaces proline, which is neutral and non-polar, with histidine, which is basic and polar, at codon 34 of the GRN protein (p.Pro34His). This variant is not present in population databases (gnomAD no frequency). This variant has not been reported in the literature in individuals affected with GRN-related conditions. ClinVar contains an entry for this variant (Variation ID: 2941451). An algorithm developed to predict the effect of missense changes on protein structure and function (PolyPhen-2) suggests that this variant is likely to be tolerated. In summary, the available evidence is currently insufficient to determine the role of this variant in disease. Therefore, it has been classified as a Variant of Uncertain Significance.